The following is an entry in ClinVar:

ClinVar aggregate classification (germline): Uncertain significance. Review status: criteria provided, multiple submitters, no conflicts (2 of 4 stars). 2 submissions from 2 submitters: Uncertain significance (2). Last evaluated 2025-02-20.

Conditions:
Inborn genetic diseases. Identifiers: MedGen C0950123, MeSH D030342.
D-2-hydroxyglutaric aciduria 2 (D2HGA2). Identifiers: Orphanet 79315, MedGen C3150909, MONDO:0013345, OMIM 613657.

gnomAD v4.1: 16 of 1,614,046 alleles (0.00099%); highest among the groups gnomAD compares: Middle Eastern, 0.017%; no homozygotes.

Submissions (2):

Ambry Genetics
Classification: Uncertain significance for Inborn genetic diseases. Last evaluated: 2025-02-20. Review status: criteria provided, single submitter. Criteria: Ambry Variant Classification Scheme 2023. Collection method: clinical testing. Allele origin: germline.

Labcorp Genetics (formerly Invitae), Labcorp
Classification: Uncertain significance for D-2-hydroxyglutaric aciduria 2. Last evaluated: 2024-07-31. Review status: criteria provided, single submitter. Criteria: Invitae Variant Classification Sherloc (09022015). Collection method: clinical testing. Allele origin: germline.
Comment: This sequence change replaces aspartic acid, which is acidic and polar, with asparagine, which is neutral and polar, at codon 439 of the IDH2 protein (p.Asp439Asn). This variant is present in population databases (no rsID available, gnomAD 0.003%). This variant has not been reported in the literature in individuals affected with IDH2-related conditions. Advanced modeling of protein sequence and biophysical properties (such as structural, functional, and spatial information, amino acid conservation, physicochemical variation, residue mobility, and thermodynamic stability) performed at Invitae indicates that this missense variant is not expected to disrupt IDH2 protein function with a negative predictive value of 80%. In summary, the available evidence is currently insufficient to determine the role of this variant in disease. Therefore, it has been classified as a Variant of Uncertain Significance.

NM_002168.4(IDH2):c.1315G>A (p.Asp439Asn)

Gene: IDH2 (isocitrate dehydrogenase (NADP(+)) 2; minus strand). Cytogenetic location: 15q26.1.
Variant type: single nucleotide variant.
Coding change: c.1315G>A on transcript NM_002168.4 (MANE Select); coding-DNA position 1315, G replaced by A.
Protein change: p.Asp439Asn; replaces aspartic acid 439 with asparagine.
Molecular consequence: missense variant.
Genome position (GRCh38, 1-based): chr15:90,084,310, C>T on the plus strand (G>A on the coding strand, the complement: IDH2 is on the minus strand). VCF-style: chr15-90084310-C-T. GRCh37 (hg19) VCF-style: chr15-90627542-C-T.
Other names: c.1159G>A, p.Asp387Asn (NM_001289910.1); c.925G>A, p.Asp309Asn (NM_001290114.2); c.1315G>A (NM_002168.2); short protein forms D387N, D309N, D439N.
Identifiers: ClinVar variation 3713185 (VCV003713185.3).